The following is an entry in ClinVar:

NM_198271.5(LMOD3):c.1160C>T (p.Thr387Ile)

Gene: LMOD3 (leiomodin 3; minus strand). Cytogenetic location: 3p14.1.
Variant type: single nucleotide variant.
Coding change: c.1160C>T on transcript NM_198271.5 (MANE Select); coding-DNA position 1160, C replaced by T.
Protein change: p.Thr387Ile; replaces threonine 387 with isoleucine.
Molecular consequence: missense variant.
Genome position (GRCh38, 1-based): chr3:69,119,195, G>A on the plus strand (C>T on the coding strand, the complement: LMOD3 is on the minus strand). VCF-style: chr3-69119195-G-A. GRCh37 (hg19) VCF-style: chr3-69168346-G-A.
Other names: c.1160C>T, p.Thr387Ile (NM_001304418.3); short protein forms T387I.
Identifiers: ClinVar variation 1483932 (VCV001483932.6), dbSNP rs758062503, ClinGen allele CA2488846.

ClinVar aggregate classification (germline): Uncertain significance (1 of 4 stars; one submission).

Conditions:
Nemaline myopathy 10 (NEM10). Identifiers: MedGen C4015360, MONDO:0014513, OMIM 616165.

Allele frequency attached by ClinVar (database versions not stated): gnomAD exomes below 0.00001; ExAC 0.00001.
gnomAD v4.1: 2 of 1,613,856 alleles (0.00012%); highest among the groups gnomAD compares: South Asian, 0.0011%; no homozygotes.

Submission:

Labcorp Genetics (formerly Invitae), Labcorp
Classification: Uncertain significance for Nemaline myopathy 10. Last evaluated: 2023-07-17. Review status: criteria provided, single submitter. Criteria: Invitae Variant Classification Sherloc (09022015). Collection method: clinical testing. Allele origin: germline.
Comment: An algorithm developed to predict the effect of missense changes on protein structure and function (PolyPhen-2) suggests that this variant is likely to be disruptive. In summary, the available evidence is currently insufficient to determine the role of this variant in disease. Therefore, it has been classified as a Variant of Uncertain Significance. This sequence change replaces threonine, which is neutral and polar, with isoleucine, which is neutral and non-polar, at codon 387 of the LMOD3 protein (p.Thr387Ile). This variant is present in population databases (rs758062503, gnomAD 0.003%). This variant has not been reported in the literature in individuals affected with LMOD3-related conditions. ClinVar contains an entry for this variant (Variation ID: 1483932).